The following is an entry in ClinVar:

ClinVar aggregate classification (germline): Uncertain significance (1 of 4 stars; one submission).

Conditions:
Developmental and epileptic encephalopathy, 7 (DEE7). Also called: Early infantile epileptic encephalopathy 7; KCNQ2-Related Neonatal Epileptic Encephalopathy; KCNQ2-Related Neonatal-Onset Developmental and Epileptic Encephalopathy (NEO-DEE). Identifiers: Orphanet 439218, MedGen C3150986, MONDO:0013387, OMIM 613720.
Seizures, benign familial neonatal, 1. Also called: Benign Neonatal Epilepsy 1; Seizures, benign neonatal, 1; KCNQ2-Related Benign Familial Neonatal Epilepsy; KCNQ2-Related Self-Limited Familial Neonatal Epilepsy (SLFNE). Identifiers: Orphanet 1949, MedGen C3149074, MONDO:0007365, OMIM 121200.

gnomAD v4.1: 1 of 1,595,496 alleles (0.000063%); highest among the groups gnomAD compares: Admixed American, 0.0017%; no homozygotes.

Submission:

Juno Genomics, Hangzhou Juno Genomics, Inc
Classification: Uncertain significance for Developmental and epileptic encephalopathy, 7; Seizures, benign familial neonatal, 1. Review status: criteria provided, single submitter. Criteria: ACMG Guidelines, 2015. Collection method: clinical testing. Allele origin: germline. Affected: yes.
Comment: Absent from controls (or at extremely low frequency if recessive) in Genome Aggregation Database, Exome Sequencing Project, 1000 Genomes Project, or Exome Aggregation Consortium.;Missense variant in a gene that has a low rate of benign missense variation and where missense variants are a common mechanism of disease.;Patient's phenotype or family history is highly specific for a disease with a single genetic etiology.

NM_172107.4(KCNQ2):c.1978G>A (p.Gly660Arg)

Gene: KCNQ2 (potassium voltage-gated channel subfamily Q member 2; minus strand). Cytogenetic location: 20q13.33.
Variant type: single nucleotide variant.
Coding change: c.1978G>A on transcript NM_172107.4 (MANE Select); coding-DNA position 1978, G replaced by A.
Protein change: p.Gly660Arg; replaces glycine 660 with arginine.
Molecular consequence: missense variant.
Genome position (GRCh38, 1-based): chr20:63,407,285, C>T on the plus strand (G>A on the coding strand, the complement: KCNQ2 is on the minus strand). VCF-style: chr20-63407285-C-T. GRCh37 (hg19) VCF-style: chr20-62038638-C-T.
Other names: c.2032G>A, p.Gly678Arg (NM_001382235.1); c.1894G>A, p.Gly632Arg (NM_004518.6); c.1924G>A, p.Gly642Arg (NM_172106.3); c.1885G>A, p.Gly629Arg (NM_172108.5); short protein forms G629R, G632R, G642R, G660R, G678R.
Identifiers: ClinVar variation 3382587 (VCV003382587.2).